The following is an entry in ClinVar:

NM_001276270.2(MBD4):c.1555A>C (p.Thr519Pro)

Gene: MBD4 (methyl-CpG binding domain 4, DNA glycosylase; minus strand). Cytogenetic location: 3q21.3.
Variant type: single nucleotide variant.
Coding change: c.1555A>C on transcript NM_001276270.2 (MANE Select); coding-DNA position 1555, A replaced by C.
Protein change: p.Thr519Pro; replaces threonine 519 with proline.
Molecular consequence: missense variant.
Genome position (GRCh38, 1-based): chr3:129,432,595, T>G on the plus strand (A>C on the coding strand, the complement: MBD4 is on the minus strand). VCF-style: chr3-129432595-T-G. GRCh37 (hg19) VCF-style: chr3-129151438-T-G.
Other names: c.1573A>C, p.Thr525Pro (NM_001276271.2, NM_001276272.2, NM_003925.3); c.619A>C, p.Thr207Pro (NM_001276273.2); short protein forms T207P, T519P, T525P.
Identifiers: ClinVar variation 985782 (VCV000985782.5), dbSNP rs2072370617, ClinGen allele CA354465044.

ClinVar aggregate classification (germline): Uncertain significance. Review status: criteria provided, multiple submitters, no conflicts (2 of 4 stars). 2 submissions from 2 submitters: Uncertain significance (2). Last evaluated 2025-03-22.

Conditions:
Inborn genetic diseases. Identifiers: MedGen C0950123, MeSH D030342.

Allele frequency attached by ClinVar (database versions not stated): gnomAD exomes 0.00001.
gnomAD v4.1: 10 of 1,614,180 alleles (0.00062%); highest among the groups gnomAD compares: Non-Finnish European, 0.00076%; no homozygotes.

Submissions (2):

Labcorp Genetics (formerly Invitae), Labcorp
Classification: Uncertain significance. Last evaluated: 2025-03-22. Review status: criteria provided, single submitter. Criteria: Invitae Variant Classification Sherloc (09022015). Collection method: clinical testing. Allele origin: germline.
Comment: This sequence change replaces threonine, which is neutral and polar, with proline, which is neutral and non-polar, at codon 525 of the MBD4 protein (p.Thr525Pro). This variant is not present in population databases (gnomAD no frequency). This variant has not been reported in the literature in individuals affected with MBD4-related conditions. ClinVar contains an entry for this variant (Variation ID: 985782). An algorithm developed to predict the effect of missense changes on protein structure and function (PolyPhen-2) suggests that this variant is likely to be disruptive. In summary, the available evidence is currently insufficient to determine the role of this variant in disease. Therefore, it has been classified as a Variant of Uncertain Significance.

Ambry Genetics
Classification: Uncertain significance for Inborn genetic diseases. Last evaluated: 2016-09-08. Review status: criteria provided, single submitter. Criteria: Ambry exome assertion method (8-5-2015). Collection method: clinical testing. Allele origin: germline. Affected: yes. Observed: 1 variant allele.